The following is an entry in ClinVar:

ClinVar aggregate classification (germline): Benign/Likely benign. Review status: criteria provided, multiple submitters, no conflicts (2 of 4 stars). 3 submissions from 3 submitters: Benign (2); Likely benign (1). Last evaluated 2022-09-01.

Allele frequency attached by ClinVar (database versions not stated): 1000 Genomes Project 0.00120; 1000 Genomes Project 30x 0.00125; TOPMed 0.00350; gnomAD 0.00365 and 0.00377; ExAC 0.00397; ESP Exome Variant Server 0.00569.
gnomAD v4.1: 8,867 of 1,612,550 alleles (0.55%); highest among the groups gnomAD compares: Non-Finnish European, 0.7%; 27 homozygotes.

Submissions (3):

CeGaT Center for Human Genetics Tuebingen
Classification: Likely benign. Last evaluated: 2022-09-01. Review status: criteria provided, single submitter. Criteria: CeGaT Center For Human Genetics Tuebingen Variant Classification Criteria Version 2. Collection method: clinical testing. Allele origin: germline. Affected: yes. Observed: 1 variant allele.
Comment: SLC22A17: BP4, BP7

Labcorp Genetics (formerly Invitae), Labcorp
Classification: Benign. Last evaluated: 2018-03-29. Review status: criteria provided, single submitter. Criteria: Invitae Variant Classification Sherloc (09022015). Collection method: clinical testing. Allele origin: germline.

Breakthrough Genomics
Classification: Benign. Review status: criteria provided, single submitter. Criteria: ACMG Guidelines, 2015. Collection method: not provided. Allele origin: germline. Inheritance: Unknown mechanism. Affected: yes.

NM_016609.7(SLC22A17):c.720G>A (p.Gly240=)

Gene: SLC22A17 (solute carrier family 22 member 17; minus strand). Cytogenetic location: 14q11.2.
Variant type: single nucleotide variant.
Coding change: c.720G>A on transcript NM_016609.7 (MANE Select); coding-DNA position 720, G replaced by A.
Protein change: p.Gly240=; no amino-acid change (glycine 240 retained).
Molecular consequence: synonymous variant. On other transcripts: 5 prime UTR variant (1), non-coding transcript variant (1).
Genome position (GRCh38, 1-based): chr14:23,349,411, C>T on the plus strand (G>A on the coding strand, the complement: SLC22A17 is on the minus strand). VCF-style: chr14-23349411-C-T. GRCh37 (hg19) VCF-style: chr14-23818620-C-T.
Other names: c.-143G>A (NM_001289050.1); c.720G>A, p.Gly240= (NM_020372.4).
Identifiers: ClinVar variation 783044 (VCV000783044.29), dbSNP rs141228721, ClinGen allele CA7113149.